The following is an entry in ClinVar:

ClinVar aggregate classification (germline): Uncertain significance. Review status: criteria provided, multiple submitters, no conflicts (2 of 4 stars). 2 submissions from 2 submitters: Uncertain significance (2). Last evaluated 2026-07-01.

Conditions:
Familial thoracic aortic aneurysm and aortic dissection (TAAD). Also called: Thoracic aortic aneurysms and dissections. Identifiers: Orphanet 91387, MedGen C4707243, MONDO:0019625.

gnomAD v4.1: 1 of 1,613,796 alleles (0.000062%); highest among the groups gnomAD compares: African/African-American, 0.0013%; no homozygotes.

Submissions (2):

Ambry Genetics
Classification: Uncertain significance for Familial thoracic aortic aneurysm and aortic dissection. Last evaluated: 2026-07-01. Review status: criteria provided, single submitter. Criteria: Ambry Variant Classification Scheme 2023. Collection method: clinical testing. Allele origin: germline.
Comment: The p.Q745L variant (also known as c.2234A>T), located in coding exon 17 of the MYH11 gene, results from an A to T substitution at nucleotide position 2234. The glutamine at codon 745 is replaced by leucine, an amino acid with dissimilar properties. This amino acid position is conserved. In addition, this alteration is predicted to be deleterious by in silico analysis. Based on the available evidence, the clinical significance of this variant remains unclear.

All of Us Research Program, National Institutes of Health
Classification: Uncertain significance for Familial thoracic aortic aneurysm and aortic dissection. Last evaluated: 2024-02-22. Review status: criteria provided, single submitter. Criteria: ACMG Guidelines, 2015. Collection method: clinical testing. Allele origin: germline. Inheritance: Autosomal dominant inheritance. Observed: 1 variant allele, 1 heterozygote.
Comment: This missense variant replaces glutamine with leucine at codon 752 of the MYH11 protein. Computational prediction suggests that this variant may have deleterious impact on protein structure and function (internally defined REVEL score threshold >= 0.7, PMID: 27666373). To our knowledge, functional studies have not been reported for this variant. This variant has not been reported in individuals affected with MYH11-related disorders in the literature. This variant has not been identified in the general population by the Genome Aggregation Database (gnomAD). The available evidence is insufficient to determine the role of this variant in disease conclusively. Therefore, this variant is classified as a Variant of Uncertain Significance.

This study involves interpretation of variants in research participants for the purpose of population health screening. Participant phenotype was not available at the time of variant classification. Additional details can be found in publication PMID: 35346344, PMCID: PMC8962531

NM_002474.3(MYH11):c.2234A>T (p.Gln745Leu)

Gene: MYH11 (myosin heavy chain 11; minus strand). Cytogenetic location: 16p13.11.
Variant type: single nucleotide variant.
Coding change: c.2234A>T on transcript NM_002474.3 (MANE Select); coding-DNA position 2234, A replaced by T.
Protein change: p.Gln745Leu; replaces glutamine 745 with leucine.
Molecular consequence: missense variant.
Genome position (GRCh38, 1-based): chr16:15,747,890, T>A on the plus strand (A>T on the coding strand, the complement: MYH11 is on the minus strand). VCF-style: chr16-15747890-T-A. GRCh37 (hg19) VCF-style: chr16-15841747-T-A.
Other names: c.2255A>T, p.Gln752Leu (NM_001040113.2, NM_001040114.2); c.2234A>T, p.Gln745Leu (NM_022844.3); c.2234A>T (NM_002474.2); short protein forms Q745L, Q752L.
Identifiers: ClinVar variation 3387223 (VCV003387223.2).
Genomic context (GRCh38, chr16:15,747,890, plus strand): 5'-TGCGGCCAGAGGTTGGGAGGTCTCTGGTGGACTTCTGGGCTCACCATGAGAATGCAGGCC[T>A]GCTTCCCGTCCATGAAGCCTTTGGGGATGGCATTCGCCGCCAGGATCTCGTAGCTTGAAA-3'
Protein context (NP_002465.1, residues 735-755): AIPKGFMDGK[Gln745Leu]ACILMIKALE